The following is an entry in ClinVar:

ClinVar aggregate classification (germline): Likely benign. Review status: criteria provided, multiple submitters, no conflicts (2 of 4 stars). 4 submissions from 4 submitters: Likely benign (3). 1 of the submissions does not count toward it. Last evaluated 2026-01-25.

Conditions:
Cardiovascular phenotype. Identifiers: MedGen CN230736.
Alstrom syndrome (ALMS). Identifiers: Orphanet 64, MedGen C0268425, MONDO:0008763, OMIM 203800.

Allele frequency attached by ClinVar (database versions not stated): gnomAD exomes below 0.00001 and 0.00001; gnomAD 0.00004; TOPMed 0.00004.
gnomAD v4.1: 14 of 1,613,942 alleles (0.00087%); highest among the groups gnomAD compares: Admixed American, 0.018%; no homozygotes.

Submissions (4):

Labcorp Genetics (formerly Invitae), Labcorp
Classification: Likely benign for Alstrom syndrome. Last evaluated: 2026-01-25. Review status: criteria provided, single submitter. Criteria: Invitae Variant Classification Sherloc (09022015). Collection method: clinical testing. Allele origin: germline.

CeGaT Center for Human Genetics Tuebingen
Classification: Likely benign. Last evaluated: 2023-03-01. Review status: criteria provided, single submitter. Criteria: CeGaT Center For Human Genetics Tuebingen Variant Classification Criteria Version 2. Collection method: clinical testing. Allele origin: germline. Affected: yes. Observed: 1 variant allele.
Comment: ALMS1: BP4, BP7

Ambry Genetics
Classification: Likely benign for Cardiovascular phenotype. Last evaluated: 2019-12-04. Review status: criteria provided, single submitter. Criteria: Ambry Variant Classification Scheme 2023. Collection method: clinical testing. Allele origin: germline.

Natera, Inc.
Classification: Likely benign for Alstrom syndrome. Last evaluated: 2021-10-11. Review status: no assertion criteria provided. Collection method: clinical testing. Allele origin: germline. Not counted in ClinVar's aggregate classification.

NM_001378454.1(ALMS1):c.1815T>G (p.Pro605=)

Gene: ALMS1 (ALMS1 centrosome and basal body associated protein; plus strand). Cytogenetic location: 2p13.1.
Variant type: single nucleotide variant.
Coding change: c.1815T>G on transcript NM_001378454.1 (MANE Select); coding-DNA position 1815, T replaced by G.
Protein change: p.Pro605=; no amino-acid change (proline 605 retained).
Molecular consequence: synonymous variant.
Genome position (GRCh38, 1-based): chr2:73,448,342, T>G. VCF-style: chr2-73448342-T-G. GRCh37 (hg19) VCF-style: chr2-73675469-T-G.
Other names: c.1818T>G, p.Pro606= (NM_015120.4).
Identifiers: ClinVar variation 1119315 (VCV001119315.38), dbSNP rs983651117, ClinGen allele CA50391155.